The following is an entry in ClinVar:

ClinVar aggregate classification (germline): Likely benign. Review status: criteria provided, multiple submitters, no conflicts (2 of 4 stars). 3 submissions from 3 submitters: Likely benign (3). Last evaluated 2026-07-07.

Conditions:
TMPRSS3-related disorder. Also called: TMPRSS3-related condition.

Allele frequency attached by ClinVar (database versions not stated): ExAC 0.00012; gnomAD exomes 0.00017; 1000 Genomes Project 0.00020; 1000 Genomes Project 30x 0.00031.
gnomAD v4.1: 66 of 1,614,130 alleles (0.0041%); highest among the groups gnomAD compares: Admixed American, 0.095%; no homozygotes.

Submissions (3):

PreventionGenetics, part of Exact Sciences
Classification: Likely benign for TMPRSS3-related condition. Last evaluated: 2026-07-07. Review status: criteria provided, single submitter. Criteria: ACMG Guidelines, 2015. Collection method: clinical testing. Allele origin: germline.
Comment: This variant is classified as likely benign based on ACMG/AMP sequence variant interpretation guidelines (Richards et al. 2015 PMID: 25741868, with internal and published modifications).

Labcorp Genetics (formerly Invitae), Labcorp
Classification: Likely benign. Last evaluated: 2024-03-03. Review status: criteria provided, single submitter. Criteria: Invitae Variant Classification Sherloc (09022015). Collection method: clinical testing. Allele origin: germline.

GeneDx
Classification: Likely benign. Last evaluated: 2020-04-03. Review status: criteria provided, single submitter. Criteria: GeneDx Variant Classification Process June 2021. Collection method: clinical testing. Allele origin: germline. Affected: yes.

NM_001256317.3(TMPRSS3):c.18G>A (p.Pro6=)

Gene: TMPRSS3 (transmembrane serine protease 3; minus strand). Cytogenetic location: 21q22.3.
Variant type: single nucleotide variant.
Coding change: c.18G>A on transcript NM_001256317.3 (MANE Select); coding-DNA position 18, G replaced by A.
Protein change: p.Pro6=; no amino-acid change (proline 6 retained).
Molecular consequence: synonymous variant.
Genome position (GRCh38, 1-based): chr21:42,395,400, C>T on the plus strand (G>A on the coding strand, the complement: TMPRSS3 is on the minus strand). VCF-style: chr21-42395400-C-T. GRCh37 (hg19) VCF-style: chr21-43815509-C-T.
Other names: c.18G>A, p.Pro6= (NM_024022.4, NM_032405.2).
Identifiers: ClinVar variation 729652 (VCV000729652.12), dbSNP rs200199344, ClinGen allele CA10042785.
Genomic context (GRCh38, chr21:42,395,400, plus strand): 5'-TATTTTCAAATCATCAAGGCCAAAAAGCGATCGGAATGAGAAGGGGGCTTCAACAGCAGG[C>T]GGATCATTTTCCCCCATGGTGACTATTTCAGGACCTCTGACATCCGGCTCCGCCTCCACC-3'
Protein context (NP_001243246.1, residues 1-16): MGEND[Pro6=]PAVEAPFSFR